The following is an entry in ClinVar:

NM_003072.5(SMARCA4):c.3872A>G (p.Lys1291Arg)

Gene: SMARCA4 (SWI/SNF related BAF chromatin remodeling complex subunit ATPase 4; plus strand). Cytogenetic location: 19p13.2.
Variant type: single nucleotide variant.
Coding change: c.3872A>G on transcript NM_003072.5 (MANE Select); coding-DNA position 3872, A replaced by G.
Protein change: p.Lys1291Arg; replaces lysine 1291 with arginine.
Molecular consequence: missense variant. On other transcripts: intron variant (6).
Genome position (GRCh38, 1-based): chr19:11,033,864, A>G. VCF-style: chr19-11033864-A-G. GRCh37 (hg19) VCF-style: chr19-11144540-A-G.
Other names: c.3872A>G, p.Lys1291Arg (NM_001128844.3, NM_001128849.3, NM_001387283.1); c.3775-259A>G (NM_001128847.4, NM_001411150.1, NM_001374457.1 and 3 more transcripts); short protein forms K1291R.
Identifiers: ClinVar variation 4864758 (VCV004864758.1).
Genomic context (GRCh38, chr19:11,033,864, plus strand): 5'-TCGCCCACACTGCCCCTCCGCCAGCGGGCGTCAACCCCGACTTGGAGGAGCCACCTCTAA[A>G]GGTGAGAGGGGTAGTTCAGTCTCCATGCCCATTCAATCCTCGGCTTCTCGGCTGAGACGG-3'
Protein context (NP_003063.2, residues 1281-1301): VNPDLEEPPL[Lys1291Arg]EEDEVPDDET

ClinVar aggregate classification (germline): Uncertain significance (1 of 4 stars; one submission).

Conditions:
Hereditary cancer-predisposing syndrome. Also called: Neoplastic Syndromes, Hereditary; Tumor predisposition; Hereditary Cancer Syndrome; Hereditary neoplastic syndrome. Identifiers: Orphanet 140162, MedGen C0027672, MeSH D009386, MONDO:0015356.

Submission:

Ambry Genetics
Classification: Uncertain significance for Hereditary cancer-predisposing syndrome. Last evaluated: 2026-04-12. Review status: criteria provided, single submitter. Criteria: Ambry Variant Classification Scheme 2023. Collection method: clinical testing. Allele origin: germline.
Comment: The p.K1291R variant (also known as c.3872A>G), located in coding exon 26 of the SMARCA4 gene, results from an A to G substitution at nucleotide position 3872. The lysine at codon 1291 is replaced by arginine, an amino acid with highly similar properties. This amino acid position is conserved. In addition, this alteration is predicted to be tolerated by in silico analysis. Based on the available evidence, the clinical significance of this variant remains unclear.